The following is an entry in ClinVar:

ClinVar aggregate classification (germline): Conflicting classifications of pathogenicity. Review status: criteria provided, conflicting classifications (1 of 4 stars). 8 submissions from 8 submitters: Uncertain significance (5); Likely benign (1). 2 of the submissions do not count toward it. Last evaluated 2026-01-26.

Conditions:
Hereditary cancer-predisposing syndrome. Also called: Neoplastic Syndromes, Hereditary; Tumor predisposition; Hereditary neoplastic syndrome; Hereditary Cancer Syndrome. Identifiers: Orphanet 140162, MedGen C0027672, MeSH D009386, MONDO:0015356.
Fumarase deficiency (FMRD). Also called: Fumarate Hydratase Deficiency; Fumaric aciduria. Identifiers: Orphanet 24, MedGen C0342770, MONDO:0011730, OMIM 606812.
Hereditary leiomyomatosis and renal cell cancer. Also called: LEIOMYOMA, MULTIPLE CUTANEOUS; Familial leiomyomatosis; FH tumor predisposition syndrome; Reed syndrome; Multiple cutaneous and uterine leiomyomatosis; Cutaneous leiomyomata with uterine leiomyomata. Identifiers: Orphanet 523, MedGen C1708350, MONDO:0007888, OMIM 150800, HP:0007437. Disease mechanism: loss of function.

Allele frequency attached by ClinVar (database versions not stated): gnomAD exomes 0.00004 and 0.00008; ExAC 0.00007; gnomAD below 0.00001 and 0.00002; TOPMed 0.00001.
gnomAD v4.1: 73 of 1,614,108 alleles (0.0045%); highest among the groups gnomAD compares: South Asian, 0.071%; no homozygotes.

Submissions (9):

Labcorp Genetics (formerly Invitae), Labcorp
Classification: Uncertain significance. Last evaluated: 2026-01-26. Review status: criteria provided, single submitter. Criteria: Invitae Variant Classification Sherloc (09022015). Collection method: clinical testing. Allele origin: germline.
Comment: This sequence change replaces isoleucine, which is neutral and non-polar, with threonine, which is neutral and polar, at codon 338 of the FH protein (p.Ile338Thr). This variant is present in population databases (rs201975537, gnomAD 0.06%). This variant has not been reported in the literature in individuals affected with FH-related conditions. ClinVar contains an entry for this variant (Variation ID: 134416). Invitae Evidence Modeling of protein sequence and biophysical properties (such as structural, functional, and spatial information, amino acid conservation, physicochemical variation, residue mobility, and thermodynamic stability) indicates that this missense variant is expected to disrupt FH protein function with a positive predictive value of 95%. In summary, the available evidence is currently insufficient to determine the role of this variant in disease. Therefore, it has been classified as a Variant of Uncertain Significance.

GeneDx
Classification: Uncertain significance. Last evaluated: 2023-04-21. Review status: criteria provided, single submitter. Criteria: GeneDx Variant Classification Process June 2021. Collection method: clinical testing. Allele origin: germline. Affected: yes.
Comment: In silico analysis, which includes protein predictors and evolutionary conservation, supports a deleterious effect; Identified in 1/50 healthy Central Asian individuals under age 50 undergoing whole genome sequencing (Bodian et al., 2014); This variant is associated with the following publications: (PMID: 24728327)

Department of Pathology and Laboratory Medicine, Sinai Health System
Classification: Uncertain significance for Hereditary leiomyomatosis and renal cell cancer; Fumarase deficiency. Last evaluated: 2022-06-13. Review status: criteria provided, single submitter. Criteria: ACMG Guidelines, 2015. Collection method: research. Allele origin: germline.

Ambry Genetics
Classification: Likely benign for Hereditary cancer-predisposing syndrome. Last evaluated: 2022-05-13. Review status: criteria provided, single submitter. Criteria: Ambry Variant Classification Scheme 2023. Collection method: clinical testing. Allele origin: germline.

Blueprint Genetics
Classification: Uncertain significance. Last evaluated: 2020-10-14. Review status: criteria provided, single submitter. Criteria: ACMG Guidelines, 2015. Collection method: clinical testing. Allele origin: germline.

Juno Genomics, Hangzhou Juno Genomics, Inc
Classification: Uncertain significance for Fumarase deficiency; Hereditary leiomyomatosis and renal cell cancer. Review status: criteria provided, single submitter. Criteria: ACMG Guidelines, 2015. Collection method: clinical testing. Allele origin: germline.
Comment: Absent from controls (or at extremely low frequency if recessive) in Genome Aggregation Database.;Multiple lines of computational evidence support a deleterious effect on the gene or gene product.

Natera, Inc.
Classification: Uncertain significance for Fumarase Deficiency. Last evaluated: 2020-02-14. Review status: no assertion criteria provided. Collection method: clinical testing. Allele origin: germline. Not counted in ClinVar's aggregate classification.

ITMI
No classification provided. Condition: AllHighlyPenetrant. Last evaluated: 2013-09-19. Review status: no classification provided. Collection method: reference population. Allele origin: germline. Not counted in ClinVar's aggregate classification.
Comment: Please see associated publication for description of ethnicities

Blake Wilde Laboratory, Roswell Park Comprehensive Cancer Center
No classification provided (evidence only). Condition: Hereditary leiomyomatosis and renal cell cancer. Review status: no classification provided. Collection method: in vitro. Allele origin: not applicable. Functional consequence: decreased enzyme activity. Not counted in ClinVar's aggregate classification.

Literature cited by the submitters: PubMed 24728327 (cited by Ambry Genetics and ITMI).

NM_000143.4(FH):c.1013T>C (p.Ile338Thr)

Gene: FH (fumarate hydratase; minus strand). Cytogenetic location: 1q43.
Variant type: single nucleotide variant.
Coding change: c.1013T>C on transcript NM_000143.4 (MANE Select); coding-DNA position 1013, T replaced by C.
Protein change: p.Ile338Thr; replaces isoleucine 338 with threonine.
Molecular consequence: missense variant.
Genome position (GRCh38, 1-based): chr1:241,504,137, A>G on the plus strand (T>C on the coding strand, the complement: FH is on the minus strand). VCF-style: chr1-241504137-A-G. GRCh37 (hg19) VCF-style: chr1-241667437-A-G.
Other names: short protein forms I338T.
Identifiers: ClinVar variation 134416 (VCV000134416.25), dbSNP rs201975537, ClinGen allele CA159743.